The following is an entry in ClinVar:

NM_004963.4(GUCY2C):c.170C>T (p.Ala57Val)

Genes: GUCY2C (guanylate cyclase 2C; minus strand), GUCY2C-AS1 (GUCY2C antisense RNA 1; plus strand). Cytogenetic location: 12p12.3.
Variant type: single nucleotide variant.
Coding change: c.170C>T on transcript NM_004963.4 (MANE Select); coding-DNA position 170, C replaced by T.
Protein change: p.Ala57Val; replaces alanine 57 with valine.
Molecular consequence: missense variant.
Genome position (GRCh38, 1-based): chr12:14,696,279, G>A on the plus strand (C>T on the coding strand, the complement: GUCY2C is on the minus strand). VCF-style: chr12-14696279-G-A. GRCh37 (hg19) VCF-style: chr12-14849213-G-A.
Other names: c.170C>T (NM_004963.3); short protein forms A57V.
Identifiers: ClinVar variation 2982773 (VCV002982773.4), dbSNP rs771612876, ClinGen allele CA6463833.

ClinVar aggregate classification (germline): Conflicting classifications of pathogenicity. Review status: criteria provided, conflicting classifications (1 of 4 stars). 2 submissions from 2 submitters: Uncertain significance (1); Likely benign (1). Last evaluated 2026-01-23.

Conditions:
Inborn genetic diseases. Identifiers: MedGen C0950123, MeSH D030342.

Allele frequency attached by ClinVar (database versions not stated): ExAC 0.00001; gnomAD 0.00004; TOPMed 0.00003.
gnomAD v4.1: 30 of 1,613,814 alleles (0.0019%); highest among the groups gnomAD compares: African/African-American, 0.011%; no homozygotes.

Submissions (2):

Labcorp Genetics (formerly Invitae), Labcorp
Classification: Uncertain significance. Last evaluated: 2026-01-23. Review status: criteria provided, single submitter. Criteria: Invitae Variant Classification Sherloc (09022015). Collection method: clinical testing. Allele origin: germline.
Comment: This sequence change replaces alanine, which is neutral and non-polar, with valine, which is neutral and non-polar, at codon 57 of the GUCY2C protein (p.Ala57Val). This variant is present in population databases (rs771612876, gnomAD 0.01%). This variant has not been reported in the literature in individuals affected with GUCY2C-related conditions. ClinVar contains an entry for this variant (Variation ID: 2982773). Invitae Evidence Modeling of protein sequence and biophysical properties (such as structural, functional, and spatial information, amino acid conservation, physicochemical variation, residue mobility, and thermodynamic stability) indicates that this missense variant is not expected to disrupt GUCY2C protein function with a negative predictive value of 80%. In summary, the available evidence is currently insufficient to determine the role of this variant in disease. Therefore, it has been classified as a Variant of Uncertain Significance.

Ambry Genetics
Classification: Likely benign for Inborn genetic diseases. Last evaluated: 2025-04-15. Review status: criteria provided, single submitter. Criteria: Ambry Variant Classification Scheme 2023. Collection method: clinical testing. Allele origin: germline.